The following is an entry in ClinVar:

NM_031483.7(ITCH):c.966-9C>G

Gene: ITCH (itchy E3 ubiquitin protein ligase; plus strand). Cytogenetic location: 20q11.22.
Variant type: single nucleotide variant.
Coding change: c.966-9C>G on transcript NM_031483.7 (MANE Select); 9 bases into the intron before coding-DNA position 966, C replaced by G.
Molecular consequence: intron variant.
Genome position (GRCh38, 1-based): chr20:34,445,278, C>G. VCF-style: chr20-34445278-C-G. GRCh37 (hg19) VCF-style: chr20-33033083-C-G.
Other names: c.1089-9C>G (NM_001324197.2, NM_001257137.3); c.966-9C>G (NM_001324198.2); c.636-9C>G (NM_001257138.3).
Identifiers: ClinVar variation 1690980 (VCV001690980.3), dbSNP rs879012592, ClinGen allele CA9821529.

ClinVar aggregate classification (germline): Uncertain significance. Review status: criteria provided, multiple submitters, no conflicts (2 of 4 stars). 2 submissions from 2 submitters: Uncertain significance (2). Last evaluated 2020-12-03.

Allele frequency attached by ClinVar (database versions not stated): gnomAD exomes 0.00006 and 0.00058.
gnomAD v4.1: 343 of 623,254 alleles (0.055%); highest among the groups gnomAD compares: Middle Eastern, 0.1%; no homozygotes.

Submissions (2):

Laboratorio de Genetica e Diagnostico Molecular, Hospital Israelita Albert Einstein
Classification: Uncertain significance. Last evaluated: 2020-12-03. Review status: criteria provided, single submitter. Criteria: ACMG Guidelines, 2015. Collection method: clinical testing. Allele origin: germline. Affected: yes.
Comment: ACMG classification criteria: PM2, BP4

Breakthrough Genomics
Classification: Uncertain significance. Review status: criteria provided, single submitter. Criteria: ACMG Guidelines, 2015. Collection method: not provided. Allele origin: germline. Inheritance: Autosomal dominant inheritance. Affected: yes.